The following is an entry in ClinVar:

NM_017636.4(TRPM4):c.2866G>C (p.Asp956His)

Gene: TRPM4 (transient receptor potential cation channel subfamily M member 4; plus strand). Cytogenetic location: 19q13.33.
Variant type: single nucleotide variant.
Coding change: c.2866G>C on transcript NM_017636.4 (MANE Select); coding-DNA position 2866, G replaced by C.
Protein change: p.Asp956His; replaces aspartic acid 956 with histidine.
Molecular consequence: missense variant.
Genome position (GRCh38, 1-based): chr19:49,200,698, G>C. VCF-style: chr19-49200698-G-C. GRCh37 (hg19) VCF-style: chr19-49703955-G-C.
Other names: c.2431G>C, p.Asp811His (NM_001195227.2); c.2521G>C, p.Asp841His (NM_001321281.2); c.1258G>C, p.Asp420His (NM_001321282.2); c.2344G>C, p.Asp782His (NM_001321283.2); c.1804G>C, p.Asp602His (NM_001321285.2); short protein forms D602H, D811H, D841H, D420H, D782H, D956H.
Identifiers: ClinVar variation 1468990 (VCV001468990.8), dbSNP rs1968894169, ClinGen allele CA406811930.

ClinVar aggregate classification (germline): Uncertain significance (1 of 4 stars; one submission).

Conditions:
Progressive familial heart block type IB (PFHB1B). Identifiers: Orphanet 871, MedGen C1970298, MONDO:0011474, OMIM 604559.

Submission:

Labcorp Genetics (formerly Invitae), Labcorp
Classification: Uncertain significance for Progressive familial heart block type IB. Last evaluated: 2022-07-05. Review status: criteria provided, single submitter. Criteria: Invitae Variant Classification Sherloc (09022015). Collection method: clinical testing. Allele origin: germline.
Comment: In summary, the available evidence is currently insufficient to determine the role of this variant in disease. Therefore, it has been classified as a Variant of Uncertain Significance. Algorithms developed to predict the effect of missense changes on protein structure and function are either unavailable or do not agree on the potential impact of this missense change (SIFT: "Deleterious"; PolyPhen-2: "Benign"; Align-GVGD: "Class C0"). ClinVar contains an entry for this variant (Variation ID: 1468990). This variant has not been reported in the literature in individuals affected with TRPM4-related conditions. This variant is not present in population databases (gnomAD no frequency). This sequence change replaces aspartic acid, which is acidic and polar, with histidine, which is basic and polar, at codon 956 of the TRPM4 protein (p.Asp956His).